The following is an entry in ClinVar:

NM_144997.7(FLCN):c.688C>G (p.Leu230Val)

Gene: FLCN (folliculin; minus strand). Cytogenetic location: 17p11.2.
Variant type: single nucleotide variant.
Coding change: c.688C>G on transcript NM_144997.7 (MANE Select); coding-DNA position 688, C replaced by G.
Protein change: p.Leu230Val; replaces leucine 230 with valine.
Molecular consequence: missense variant.
Genome position (GRCh38, 1-based): chr17:17,222,592, G>C on the plus strand (C>G on the coding strand, the complement: FLCN is on the minus strand). VCF-style: chr17-17222592-G-C. GRCh37 (hg19) VCF-style: chr17-17125906-G-C.
Other names: c.742C>G, p.Leu248Val (NM_001353229.2); c.688C>G, p.Leu230Val (NM_001353230.2, NM_001353231.2, NM_144606.7); short protein forms L230V, L248V.
Identifiers: ClinVar variation 4827037 (VCV004827037.1).

ClinVar aggregate classification (germline): Uncertain significance (1 of 4 stars; one submission).

Conditions:
Hereditary cancer-predisposing syndrome. Also called: Neoplastic Syndromes, Hereditary; Tumor predisposition; Hereditary Cancer Syndrome; Hereditary neoplastic syndrome. Identifiers: Orphanet 140162, MedGen C0027672, MeSH D009386, MONDO:0015356.

Submission:

Ambry Genetics
Classification: Uncertain significance for Hereditary cancer-predisposing syndrome. Last evaluated: 2026-03-09. Review status: criteria provided, single submitter. Criteria: Ambry Variant Classification Scheme 2023. Collection method: clinical testing. Allele origin: germline.
Comment: The p.L230V variant (also known as c.688C>G), located in coding exon 4 of the FLCN gene, results from a C to G substitution at nucleotide position 688. The leucine at codon 230 is replaced by valine, an amino acid with highly similar properties. This amino acid position is conserved. In addition, this alteration is predicted to be tolerated by in silico analysis. Based on the available evidence, the clinical significance of this variant remains unclear.